The following is an entry in ClinVar:

NM_022463.5(NXN):c.617C>T (p.Pro206Leu)

Gene: NXN (nucleoredoxin; minus strand). Cytogenetic location: 17p13.3.
Variant type: single nucleotide variant.
Coding change: c.617C>T on transcript NM_022463.5 (MANE Select); coding-DNA position 617, C replaced by T.
Protein change: p.Pro206Leu; replaces proline 206 with leucine.
Molecular consequence: missense variant.
Genome position (GRCh38, 1-based): chr17:822,453, G>A on the plus strand (C>T on the coding strand, the complement: NXN is on the minus strand). VCF-style: chr17-822453-G-A. GRCh37 (hg19) VCF-style: chr17-725693-G-A.
Other names: c.293C>T, p.Pro98Leu (NM_001205319.1); short protein forms P206L, P98L.
Identifiers: ClinVar variation 1916420 (VCV001916420.5), dbSNP rs139124108, ClinGen allele CA286696157.

ClinVar aggregate classification (germline): Uncertain significance (1 of 4 stars; one submission).

Allele frequency attached by ClinVar (database versions not stated): gnomAD exomes below 0.00001; TOPMed 0.00002; gnomAD 0.00003; ESP Exome Variant Server 0.00008.
gnomAD v4.1: 8 of 1,613,126 alleles (0.0005%); highest among the groups gnomAD compares: African/African-American, 0.004%; no homozygotes.

Submission:

Labcorp Genetics (formerly Invitae), Labcorp
Classification: Uncertain significance. Last evaluated: 2022-08-06. Review status: criteria provided, single submitter. Criteria: Invitae Variant Classification Sherloc (09022015). Collection method: clinical testing. Allele origin: germline.
Comment: This variant is present in population databases (rs139124108, gnomAD 0.01%). In summary, the available evidence is currently insufficient to determine the role of this variant in disease. Therefore, it has been classified as a Variant of Uncertain Significance. Algorithms developed to predict the effect of missense changes on protein structure and function are either unavailable or do not agree on the potential impact of this missense change (SIFT: "Tolerated"; PolyPhen-2: "Probably Damaging"; Align-GVGD: "Class C0"). This variant has not been reported in the literature in individuals affected with NXN-related conditions. This sequence change replaces proline, which is neutral and non-polar, with leucine, which is neutral and non-polar, at codon 206 of the NXN protein (p.Pro206Leu).